The following is an entry in ClinVar:

ClinVar aggregate classification (germline): Uncertain significance (1 of 4 stars; one submission).

Conditions:
Alstrom syndrome (ALMS). Identifiers: Orphanet 64, MedGen C0268425, MONDO:0008763, OMIM 203800.

Allele frequency attached by ClinVar (database versions not stated): gnomAD 0.00001.
gnomAD v4.1: 1 of 1,613,910 alleles (0.000062%); highest among the groups gnomAD compares: African/African-American, 0.0013%; no homozygotes.

Submission:

Labcorp Genetics (formerly Invitae), Labcorp
Classification: Uncertain significance for Alstrom syndrome. Last evaluated: 2021-09-20. Review status: criteria provided, single submitter. Criteria: Invitae Variant Classification Sherloc (09022015). Collection method: clinical testing. Allele origin: germline.
Comment: In summary, the available evidence is currently insufficient to determine the role of this variant in disease. Therefore, it has been classified as a Variant of Uncertain Significance. Experimental studies and prediction algorithms are not available or were not evaluated, and the functional significance of this variant is currently unknown. This variant has not been reported in the literature in individuals affected with ALMS1-related conditions. This variant is not present in population databases (ExAC no frequency). This sequence change replaces glutamic acid with glycine at codon 3195 of the ALMS1 protein (p.Glu3195Gly). The glutamic acid residue is weakly conserved and there is a moderate physicochemical difference between glutamic acid and glycine.

NM_001378454.1(ALMS1):c.9581A>G (p.Glu3194Gly)

Gene: ALMS1 (ALMS1 centrosome and basal body associated protein; plus strand). Cytogenetic location: 2p13.1.
Variant type: single nucleotide variant.
Coding change: c.9581A>G on transcript NM_001378454.1 (MANE Select); coding-DNA position 9581, A replaced by G.
Protein change: p.Glu3194Gly; replaces glutamic acid 3194 with glycine.
Molecular consequence: missense variant.
Genome position (GRCh38, 1-based): chr2:73,519,816, A>G. VCF-style: chr2-73519816-A-G. GRCh37 (hg19) VCF-style: chr2-73746943-A-G.
Other names: c.9584A>G, p.Glu3195Gly (NM_015120.4); short protein forms E3195G, E3194G.
Identifiers: ClinVar variation 1351085 (VCV001351085.6), dbSNP rs1673634547, ClinGen allele CA347280893.